The following is an entry in ClinVar:

NM_016734.3(PAX5):c.107T>C (p.Val36Ala)

Gene: PAX5 (paired box 5; minus strand). Cytogenetic location: 9p13.2.
Variant type: single nucleotide variant.
Coding change: c.107T>C on transcript NM_016734.3 (MANE Select); coding-DNA position 107, T replaced by C.
Protein change: p.Val36Ala; replaces valine 36 with alanine.
Molecular consequence: missense variant. On other transcripts: non-coding transcript variant (2), intron variant (2).
Genome position (GRCh38, 1-based): chr9:37,020,741, A>G on the plus strand (T>C on the coding strand, the complement: PAX5 is on the minus strand). VCF-style: chr9-37020741-A-G. GRCh37 (hg19) VCF-style: chr9-37020738-A-G.
Other names: c.107T>C, p.Val36Ala (NM_001280547.2, NM_001280548.2, NM_001280549.2 and 5 more transcripts); c.-112-5547T>C (NM_001280551.2, NM_001280556.2); short protein forms V36A.
Identifiers: ClinVar variation 4082477 (VCV004082477.2).

ClinVar aggregate classification (germline): Uncertain significance (1 of 4 stars; one submission).

gnomAD v4.1: 3 of 1,614,156 alleles (0.00019%); highest among the groups gnomAD compares: Admixed American, 0.0017%; no homozygotes.

Submission:

Genetic Services Laboratory, University of Chicago
Classification: Uncertain significance. Last evaluated: 2023-09-27. Review status: criteria provided, single submitter. Criteria: ACMG Guidelines, 2015. Collection method: clinical testing. Allele origin: germline. Affected: no.
Comment: DNA sequence analysis of the PAX5 gene demonstrated a sequence change, c.107T>C, in exon 2 that results in an amino acid change, p.Val36Ala. This sequence change does not appear to have been previously described in individuals with PAX5-related disorders. This sequence change has been described in the gnomAD database in 1 individual which corresponds to a population frequency of 0.0004% (dbSNP rs564013593). The p.Val36Ala change affects a highly conserved amino acid residue located in a domain of the PAX5 protein that is known to be functional. The p.Val36Ala substitution appears to be deleterious using several in-silico pathogenicity prediction tools (SIFT, PolyPhen2, Align GVGD, REVEL). Due to insufficient evidence and the lack of functional studies, the clinical significance of the p.Val36Ala change remains unknown at this time.